The following is an entry in ClinVar:

ClinVar aggregate classification (germline): Uncertain significance (1 of 4 stars; one submission).

Submission:

Labcorp Genetics (formerly Invitae), Labcorp
Classification: Uncertain significance. Last evaluated: 2022-11-13. Review status: criteria provided, single submitter. Criteria: Invitae Variant Classification Sherloc (09022015). Collection method: clinical testing. Allele origin: germline.
Comment: This sequence change replaces serine, which is neutral and polar, with threonine, which is neutral and polar, at codon 101 of the FOXL2 protein (p.Ser101Thr). This variant is not present in population databases (gnomAD no frequency). This variant has not been reported in the literature in individuals affected with FOXL2-related conditions. Algorithms developed to predict the effect of missense changes on protein structure and function (SIFT, PolyPhen-2, Align-GVGD) all suggest that this variant is likely to be disruptive. In summary, the available evidence is currently insufficient to determine the role of this variant in disease. Therefore, it has been classified as a Variant of Uncertain Significance.

NM_023067.4(FOXL2):c.302G>C (p.Ser101Thr)

Gene: FOXL2 (forkhead box L2; minus strand). Cytogenetic location: 3q22.3.
Variant type: single nucleotide variant.
Coding change: c.302G>C on transcript NM_023067.4 (MANE Select); coding-DNA position 302, G replaced by C.
Protein change: p.Ser101Thr; replaces serine 101 with threonine.
Molecular consequence: missense variant.
Genome position (GRCh38, 1-based): chr3:138,946,421, C>G on the plus strand (G>C on the coding strand, the complement: FOXL2 is on the minus strand). VCF-style: chr3-138946421-C-G. GRCh37 (hg19) VCF-style: chr3-138665263-C-G.
Other names: short protein forms S101T.
Identifiers: ClinVar variation 2813999 (VCV002813999.3), dbSNP rs2107744740, ClinGen allele CA354706899.